The following is an entry in ClinVar:

NM_000368.5(TSC1):c.1600G>T (p.Glu534Ter)

Gene: TSC1 (TSC complex subunit 1; minus strand). Cytogenetic location: 9q34.13.
Variant type: single nucleotide variant.
Coding change: c.1600G>T on transcript NM_000368.5 (MANE Select); coding-DNA position 1600, G replaced by T.
Protein change: p.Glu534Ter; replaces glutamic acid 534 with a stop codon.
Molecular consequence: nonsense. On other transcripts: non-coding transcript variant (5).
Genome position (GRCh38, 1-based): chr9:132,905,978, C>A on the plus strand (G>T on the coding strand, the complement: TSC1 is on the minus strand). VCF-style: chr9-132905978-C-A. GRCh37 (hg19) VCF-style: chr9-135781365-C-A.
Other names: c.1597G>T, p.Glu533Ter (NM_001162426.2, NM_001406597.1, NM_001406598.1 and 6 more transcripts); c.1447G>T, p.Glu483Ter (NM_001162427.2, NM_001406610.1); c.1237G>T, p.Glu413Ter (NM_001362177.2, NM_001406614.1, NM_001406615.1 and 5 more transcripts); c.1600G>T, p.Glu534Ter (NM_001406592.1, NM_001406593.1, NM_001406594.1 and 7 more transcripts); c.1444G>T, p.Glu482Ter (NM_001406611.1, NM_001406612.1, NM_001406613.1); c.1234G>T, p.Glu412Ter (NM_001406620.1, NM_001406621.1, NM_001406622.1 and 2 more transcripts); c.649G>T, p.Glu217Ter (NM_001406626.1); c.646G>T, p.Glu216Ter (NM_001406627.1, NM_001406628.1); and 1 more; short protein forms E183*, E216*, E217*, E412*, E413*, E482*, E483*, E533*.
Identifiers: ClinVar variation 3347724 (VCV003347724.1).
Genomic context (GRCh38, chr9:132,905,978, plus strand): 5'-GAGTAAAGGCTTGCTTTGGTGTGTCAGGCCCAAGCTTGTCCAGGGAGGAGTGTAAAGGCT[C>A]AGGGTTCACGCTGGCGCCCTGAGAACTGGAGGCTGCCGAGTGGGTCTTCCGCTGAGAACC-3'

ClinVar aggregate classification (germline): Likely pathogenic (0 of 4 stars; one submission).

Conditions:
TSC1-related disorder. Also called: TSC1-related condition.

Submission:

PreventionGenetics, part of Exact Sciences
Classification: Likely pathogenic for TSC1-related condition. Last evaluated: 2024-05-10. Review status: no assertion criteria provided. Collection method: clinical testing. Allele origin: germline.
Comment: The TSC1 c.1600G>T variant is predicted to result in premature protein termination (p.Glu534*). To our knowledge, this variant has not been reported in the literature or in a large population database, indicating this variant is rare. Nonsense variants in TSC1 are expected to be pathogenic. This variant is interpreted as likely pathogenic.